The following is an entry in ClinVar:

ClinVar aggregate classification (germline): Conflicting classifications of pathogenicity. Review status: criteria provided, conflicting classifications (1 of 4 stars). 4 submissions from 4 submitters: Uncertain significance (1); Benign (1); Likely benign (2). Last evaluated 2026-02-11.

Conditions:
Immunodeficiency 23 (IMD23). Also called: IMMUNODEFICIENCY WITH HYPER IgE AND COGNITIVE IMPAIRMENT; IMMUNODEFICIENCY-VASCULITIS-MYOCLONUS SYNDROME. Identifiers: Orphanet 443811, MedGen C4014371, MONDO:0014353, OMIM 615816.

Allele frequency attached by ClinVar (database versions not stated): gnomAD exomes 0.00021 and 0.00047; ESP Exome Variant Server 0.00023; gnomAD 0.00023 and 0.00024; TOPMed 0.00025; ExAC 0.00031.
gnomAD v4.1: 355 of 1,612,218 alleles (0.022%); highest among the groups gnomAD compares: Admixed American, 0.013%; no homozygotes.

Submissions (4):

Women's Health and Genetics/Laboratory Corporation of America, LabCorp
Classification: Likely benign. Last evaluated: 2026-02-11. Review status: criteria provided, single submitter. Criteria: LabCorp Variant Classification Summary - May 2015. Collection method: clinical testing. Allele origin: germline.
Comment: Variant summary: PGM3 c.1169A>T (p.Glu390Val) results in a non-conservative amino acid change in the encoded protein sequence. Algorithms developed to predict the effect of missense changes on protein structure and function are either unavailable or do not agree on the potential impact of this missense change. The variant allele was found at a frequency of 0.00047 in 251302 control chromosomes, predominantly at a frequency of 0.0095 within the Ashkenazi Jewish subpopulation in the gnomAD database. The observed variant frequency within Ashkenazi Jewish control individuals in the gnomAD database exceeds the estimated maximal expected allele frequency for disease-causing variants in PGM3. c.1169A>T has been observed in individuals affected with immunodeficiency, but without strong evidence of causality (e.g., Maffucci_2016, Roussel_2018). These reports do not provide unequivocal conclusions about association of the variant with Immunodeficiency 23. To our knowledge, no experimental evidence demonstrating an impact on protein function has been reported. The following publications have been ascertained in the context of this evaluation (PMID: 27379089, 30498080). ClinVar contains an entry for this variant (Variation ID: 581689). Based on the evidence outlined above, the variant was classified as likely benign.

Labcorp Genetics (formerly Invitae), Labcorp
Classification: Benign for Immunodeficiency 23. Last evaluated: 2026-01-27. Review status: criteria provided, single submitter. Criteria: Invitae Variant Classification Sherloc (09022015). Collection method: clinical testing. Allele origin: germline.

Genetic Services Laboratory, University of Chicago
Classification: Likely benign. Last evaluated: 2021-10-11. Review status: criteria provided, single submitter. Criteria: ACMG Guidelines, 2015. Collection method: clinical testing. Allele origin: germline. Affected: no.

GeneDx
Classification: Uncertain significance. Last evaluated: 2019-05-21. Review status: criteria provided, single submitter. Criteria: GeneDx Variant Classification Process June 2021. Collection method: clinical testing. Allele origin: germline. Affected: yes.
Comment: In silico analysis, which includes protein predictors and evolutionary conservation, supports a deleterious effect; Has not been previously published as pathogenic or benign to our knowledge

Literature cited by the submitters: PubMed 27379089 (cited by Women's Health and Genetics/Laboratory Corporation of America, LabCorp); PubMed 30498080 (cited by Women's Health and Genetics/Laboratory Corporation of America, LabCorp).

NM_015599.3(PGM3):c.1085A>T (p.Glu362Val)

Gene: PGM3 (phosphoglucomutase 3; minus strand). Cytogenetic location: 6q14.1.
Variant type: single nucleotide variant.
Coding change: c.1085A>T on transcript NM_015599.3 (MANE Select); coding-DNA position 1085, A replaced by T.
Protein change: p.Glu362Val; replaces glutamic acid 362 with valine.
Molecular consequence: missense variant. On other transcripts: non-coding transcript variant (1).
Genome position (GRCh38, 1-based): chr6:83,176,005, T>A on the plus strand (A>T on the coding strand, the complement: PGM3 is on the minus strand). VCF-style: chr6-83176005-T-A. GRCh37 (hg19) VCF-style: chr6-83885724-T-A.
Other names: c.1169A>T, p.Glu390Val (NM_001199917.2, NM_001367287.1); c.842A>T, p.Glu281Val (NM_001199918.2); c.1085A>T, p.Glu362Val (NM_001199919.2, NM_001367286.1); short protein forms E390V, E362V, E281V.
Identifiers: ClinVar variation 581689 (VCV000581689.18), dbSNP rs34238319, ClinGen allele CA3906612.